The following is an entry in ClinVar:

NM_022167.4(XYLT2):c.135+7C>T

Gene: XYLT2 (xylosyltransferase 2; plus strand). Cytogenetic location: 17q21.33.
Variant type: single nucleotide variant.
Coding change: c.135+7C>T on transcript NM_022167.4 (MANE Select); 7 bases into the intron after coding-DNA position 135, C replaced by T.
Molecular consequence: intron variant.
Genome position (GRCh38, 1-based): chr17:50,346,282, C>T. VCF-style: chr17-50346282-C-T. GRCh37 (hg19) VCF-style: chr17-48423643-C-T.
Identifiers: ClinVar variation 4999555 (VCV004999555.1).
Genomic context (GRCh38, chr17:50,346,282, plus strand): 5'-CAGGGCCTGGTAGTGTGGAGCTTCAGCGGCCTGGAGGAGGACGAGGCGGGCGAGGTGCTC[C>T]GACGGCCGGGCGGGCGGGCAGGCCGGGCGCGGGGGCGCGCGGGGTCCTGGCGGGGCTGCG-3'

ClinVar aggregate classification (germline): Likely benign (1 of 4 stars; one submission).

Conditions:
XYLT2-related disorder. Also called: XYLT2-related condition.

Submission:

PreventionGenetics, part of Exact Sciences
Classification: Likely benign for XYLT2-related condition. Last evaluated: 2025-05-19. Review status: criteria provided, single submitter. Criteria: ACMG Guidelines, 2015. Collection method: clinical testing. Allele origin: germline.
Comment: This variant is classified as likely benign based on ACMG/AMP sequence variant interpretation guidelines (Richards et al. 2015 PMID: 25741868, with internal and published modifications).